The following is an entry in ClinVar:

ClinVar aggregate classification (germline): Benign/Likely benign. Review status: criteria provided, multiple submitters, no conflicts (2 of 4 stars). 5 submissions from 5 submitters: Benign (1); Likely benign (3). 1 of the submissions does not count toward it. Last evaluated 2026-01-24.

Conditions:
RXYLT1-related disorder. Also called: RXYLT1-related condition.

Allele frequency attached by ClinVar (database versions not stated): gnomAD exomes 0.00016 and 0.00042; ExAC 0.00054; 1000 Genomes Project 0.00140; 1000 Genomes Project 30x 0.00156; ESP Exome Variant Server 0.00185; gnomAD 0.00189 and 0.00205; TOPMed 0.00200.
gnomAD v4.1: 517 of 1,601,724 alleles (0.032%); highest among the groups gnomAD compares: African/African-American, 0.64%; no homozygotes.

Submissions (5):

Labcorp Genetics (formerly Invitae), Labcorp
Classification: Benign. Last evaluated: 2026-01-24. Review status: criteria provided, single submitter. Criteria: Invitae Variant Classification Sherloc (09022015). Collection method: clinical testing. Allele origin: germline.

CeGaT Center for Human Genetics Tuebingen
Classification: Likely benign. Last evaluated: 2023-01-01. Review status: criteria provided, single submitter. Criteria: CeGaT Center For Human Genetics Tuebingen Variant Classification Criteria Version 2. Collection method: clinical testing. Allele origin: germline. Affected: yes. Observed: 1 variant allele.
Comment: RXYLT1: BP4, BP7

GeneDx
Classification: Likely benign. Last evaluated: 2021-03-30. Review status: criteria provided, single submitter. Criteria: GeneDx Variant Classification Process June 2021. Collection method: clinical testing. Allele origin: germline. Affected: yes.

Genetic Services Laboratory, University of Chicago
Classification: Likely benign. Last evaluated: 2016-10-10. Review status: criteria provided, single submitter. Criteria: ACMG Guidelines, 2015. Collection method: clinical testing. Allele origin: germline. Affected: no.

PreventionGenetics, part of Exact Sciences
Classification: Likely benign for RXYLT1-related condition. Last evaluated: 2024-08-12. Review status: no assertion criteria provided. Collection method: clinical testing. Allele origin: germline. Not counted in ClinVar's aggregate classification.
Comment: This variant is classified as likely benign based on ACMG/AMP sequence variant interpretation guidelines (Richards et al. 2015 PMID: 25741868, with internal and published modifications).

NM_014254.3(RXYLT1):c.294C>T (p.Leu98=)

Gene: RXYLT1 (ribitol xylosyltransferase 1; plus strand). Cytogenetic location: 12q14.2.
Variant type: single nucleotide variant.
Coding change: c.294C>T on transcript NM_014254.3 (MANE Select); coding-DNA position 294, C replaced by T.
Protein change: p.Leu98=; no amino-acid change (leucine 98 retained).
Molecular consequence: synonymous variant. On other transcripts: 5 prime UTR variant (1).
Genome position (GRCh38, 1-based): chr12:63,781,143, C>T. VCF-style: chr12-63781143-C-T. GRCh37 (hg19) VCF-style: chr12-64174923-C-T.
Other names: c.-487C>T (NM_001278237.2).
Identifiers: ClinVar variation 384307 (VCV000384307.42), dbSNP rs114694892, ClinGen allele CA6666037.
Genomic context (GRCh38, chr12:63,781,143, plus strand): 5'-ACACAGATTTAAAACTAGCCTTCAAATATTAGATAAATCCACGAAAGGAAAAACAGATCT[C>T]AGTGTACAAATCTGGGGCAAAGCTGCCATTGGTAAGTTAATACGTAGAAGGAAGACATGT-3'
Protein context (NP_055069.1, residues 88-108): LDKSTKGKTD[Leu98=]SVQIWGKAAI